The following is an entry in ClinVar:

NM_014727.3(KMT2B):c.1886C>T (p.Pro629Leu)

Gene: KMT2B (lysine methyltransferase 2B; plus strand). Cytogenetic location: 19q13.12.
Variant type: single nucleotide variant.
Coding change: c.1886C>T on transcript NM_014727.3 (MANE Select); coding-DNA position 1886, C replaced by T.
Protein change: p.Pro629Leu; replaces proline 629 with leucine.
Molecular consequence: missense variant.
Genome position (GRCh38, 1-based): chr19:35,721,233, C>T. VCF-style: chr19-35721233-C-T. GRCh37 (hg19) VCF-style: chr19-36212135-C-T.
Other names: c.1886C>T (NM_014727.1); short protein forms P629L.
Identifiers: ClinVar variation 2689327 (VCV002689327.6), dbSNP rs548700728, ClinGen allele CA307783309.

ClinVar aggregate classification (germline): Conflicting classifications of pathogenicity. Review status: criteria provided, conflicting classifications (1 of 4 stars). 3 submissions from 3 submitters: Uncertain significance (2); Likely benign (1). Last evaluated 2025-04-12.

Conditions:
Inborn genetic diseases. Identifiers: MedGen C0950123, MeSH D030342.

Allele frequency attached by ClinVar (database versions not stated): gnomAD 0.00003; 1000 Genomes Project 0.00040.
gnomAD v4.1: 121 of 1,467,510 alleles (0.0082%); highest among the groups gnomAD compares: East Asian, 0.02%; no homozygotes.

Submissions (3):

Ambry Genetics
Classification: Likely benign for Inborn genetic diseases. Last evaluated: 2025-04-12. Review status: criteria provided, single submitter. Criteria: Ambry Variant Classification Scheme 2023. Collection method: clinical testing. Allele origin: germline.

Labcorp Genetics (formerly Invitae), Labcorp
Classification: Uncertain significance. Last evaluated: 2024-06-26. Review status: criteria provided, single submitter. Criteria: Invitae Variant Classification Sherloc (09022015). Collection method: clinical testing. Allele origin: germline.
Comment: This sequence change replaces proline, which is neutral and non-polar, with leucine, which is neutral and non-polar, at codon 629 of the KMT2B protein (p.Pro629Leu). The frequency data for this variant in the population databases is considered unreliable, as metrics indicate poor data quality at this position in the gnomAD database. This variant has not been reported in the literature in individuals affected with KMT2B-related conditions. Advanced modeling of protein sequence and biophysical properties (such as structural, functional, and spatial information, amino acid conservation, physicochemical variation, residue mobility, and thermodynamic stability) performed at Invitae indicates that this missense variant is not expected to disrupt KMT2B protein function with a negative predictive value of 95%. In summary, the available evidence is currently insufficient to determine the role of this variant in disease. Therefore, it has been classified as a Variant of Uncertain Significance.

Revvity Omics, Revvity
Classification: Uncertain significance. Last evaluated: 2023-07-10. Review status: criteria provided, single submitter. Criteria: ACMG Guidelines, 2015. Collection method: clinical testing. Allele origin: germline.